The following is an entry in ClinVar:

ClinVar aggregate classification (germline): Uncertain significance. Review status: criteria provided, multiple submitters, no conflicts (2 of 4 stars). 2 submissions from 2 submitters: Uncertain significance (2). Last evaluated 2024-11-25.

Conditions:
Episodic ataxia type 2 (EA2). Also called: ATAXIA, EPISODIC, WITH NYSTAGMUS; ATAXIA, FAMILIAL PAROXYSMAL; CEREBELLAR ATAXIA, PAROXYSMAL, ACETAZOLAMIDE-RESPONSIVE; CEREBELLOPATHY, HEREDITARY PAROXYSMAL; EPISODIC ATAXIA, NYSTAGMUS-ASSOCIATED; ACETAZOLAMIDE-RESPONSIVE HEREDITARY PAROXYSMAL CEREBELLAR ATAXIA. Identifiers: Orphanet 97, MedGen C1720416, MONDO:0007163, OMIM 108500.
Developmental and epileptic encephalopathy, 42 (DEE42A). Also called: Epileptic encephalopathy, early infantile, 42; DEVELOPMENTAL AND EPILEPTIC ENCEPHALOPATHY 42A; EPILEPTIC ENCEPHALOPATHY, EARLY INFANTILE, 42A. Identifiers: MedGen C4310716, MONDO:0014917, OMIM 617106.

Allele frequency attached by ClinVar (database versions not stated): gnomAD exomes below 0.00001.

Submissions (2):

GeneDx
Classification: Uncertain significance. Last evaluated: 2024-11-25. Review status: criteria provided, single submitter. Criteria: GeneDx Variant Classification Process June 2021. Collection method: clinical testing. Allele origin: germline. Affected: yes.
Comment: Not observed at significant frequency in large population cohorts (gnomAD); In silico analysis supports that this missense variant has a deleterious effect on protein structure/function; Has not been previously published as pathogenic or benign to our knowledge

Labcorp Genetics (formerly Invitae), Labcorp
Classification: Uncertain significance for Developmental and epileptic encephalopathy, 42; Episodic ataxia type 2. Last evaluated: 2021-02-26. Review status: criteria provided, single submitter. Criteria: Invitae Variant Classification Sherloc (09022015). Collection method: clinical testing. Allele origin: germline.
Comment: Advanced modeling of protein sequence and biophysical properties (such as structural, functional, and spatial information, amino acid conservation, physicochemical variation, residue mobility, and thermodynamic stability) performed at Invitae indicates that this missense variant is expected to disrupt CACNA1A protein function. In summary, the available evidence is currently insufficient to determine the role of this variant in disease. Therefore, it has been classified as a Variant of Uncertain Significance. This variant has not been reported in the literature in individuals with CACNA1A-related conditions. This variant is not present in population databases (ExAC no frequency). This sequence change replaces alanine with threonine at codon 1958 of the CACNA1A protein (p.Ala1958Thr). The alanine residue is highly conserved and there is a small physicochemical difference between alanine and threonine.

NM_001127222.2(CACNA1A):c.5869G>A (p.Ala1957Thr)

Gene: CACNA1A (calcium voltage-gated channel subunit alpha1 A; minus strand). Cytogenetic location: 19p13.13.
Variant type: single nucleotide variant.
Coding change: c.5869G>A on transcript NM_001127222.2 (MANE Select); coding-DNA position 5869, G replaced by A.
Protein change: p.Ala1957Thr; replaces alanine 1957 with threonine.
Molecular consequence: missense variant.
Genome position (GRCh38, 1-based): chr19:13,214,304, C>T on the plus strand (G>A on the coding strand, the complement: CACNA1A is on the minus strand). VCF-style: chr19-13214304-C-T. GRCh37 (hg19) VCF-style: chr19-13325118-C-T.
Other names: c.5872G>A (NM_001127221.1); c.5887G>A, p.Ala1963Thr (NM_000068.4, NM_023035.3); c.5872G>A, p.Ala1958Thr (NM_001127221.2); c.5878G>A, p.Ala1960Thr (NM_001174080.2); short protein forms A1960T, A1963T, A1958T, A1957T.
Identifiers: ClinVar variation 1412104 (VCV001412104.9), dbSNP rs1217161285, ClinGen allele CA404334156.
Genomic context (GRCh38, chr19:13,214,304, plus strand): 5'-GCATGGCCTGCAGCTTCTTGGCCTTGCTCTGCCGGTAGTACTCCATGATCATCATGGCTG[C>T]GTAGATCTTCCCCACGGTGAGGTCCGTGGCTGGGGGCACACACACGGTGAGCTCACCAAG-3'
Protein context (NP_001120694.1, residues 1947-1967): STDLTVGKIY[Ala1957Thr]AMMIMEYYRQ